The following is an entry in ClinVar:

ClinVar aggregate classification (germline): Uncertain significance. Review status: criteria provided, multiple submitters, no conflicts (2 of 4 stars). 2 submissions from 2 submitters: Uncertain significance (2). Last evaluated 2025-09-22.

Conditions:
Cardiovascular phenotype. Identifiers: MedGen CN230736.
Long QT syndrome (LQTS). Identifiers: MedGen C0023976, MeSH D008133, MONDO:0002442. Disease mechanism: loss of function. Inheritance: Various modes of inheritance.

Allele frequency attached by ClinVar (database versions not stated): ExAC 0.00001; gnomAD 0.00007; TOPMed 0.00012.
gnomAD v4.1: 21 of 1,613,596 alleles (0.0013%); highest among the groups gnomAD compares: Admixed American, 0.03%; 1 homozygote.

Submissions (2):

Labcorp Genetics (formerly Invitae), Labcorp
Classification: Uncertain significance for Long QT syndrome. Last evaluated: 2025-09-22. Review status: criteria provided, single submitter. Criteria: Invitae Variant Classification Sherloc (09022015). Collection method: clinical testing. Allele origin: germline.
Comment: This sequence change replaces valine, which is neutral and non-polar, with leucine, which is neutral and non-polar, at codon 2721 of the AKAP9 protein (p.Val2721Leu). This variant is present in population databases (rs752167348, gnomAD no frequency). This variant has not been reported in the literature in individuals affected with AKAP9-related conditions. ClinVar contains an entry for this variant (Variation ID: 1985452). An algorithm developed to predict the effect of missense changes on protein structure and function (PolyPhen-2) suggests that this variant is likely to be tolerated. In summary, the available evidence is currently insufficient to determine the role of this variant in disease. Therefore, it has been classified as a Variant of Uncertain Significance.

Ambry Genetics
Classification: Uncertain significance for Cardiovascular phenotype. Last evaluated: 2024-12-21. Review status: criteria provided, single submitter. Criteria: Ambry Variant Classification Scheme 2023. Collection method: clinical testing. Allele origin: germline.
Comment: The p.V2721L variant (also known as c.8161G>C) is located in coding exon 33 of the AKAP9 gene. The valine at codon 2721 is replaced by leucine, an amino acid with highly similar properties. This change occurs in the first base pair of coding exon 33. This amino acid position is conserved. In addition, this alteration is predicted to be tolerated by in silico analysis. Based on the available evidence, the clinical significance of this variant remains unclear.

NM_005751.5(AKAP9):c.8161G>C (p.Val2721Leu)

Gene: AKAP9 (A-kinase anchoring protein 9; plus strand). Cytogenetic location: 7q21.2.
Variant type: single nucleotide variant.
Coding change: c.8161G>C on transcript NM_005751.5 (MANE Select); coding-DNA position 8161, G replaced by C.
Protein change: p.Val2721Leu; replaces valine 2721 with leucine.
Molecular consequence: missense variant.
Genome position (GRCh38, 1-based): chr7:92,083,170, G>C. VCF-style: chr7-92083170-G-C. GRCh37 (hg19) VCF-style: chr7-91712484-G-C.
Other names: c.2806G>C, p.Val936Leu (NM_001379277.1); c.8137G>C, p.Val2713Leu (NM_147185.3); short protein forms V2713L, V2721L, V936L.
Identifiers: ClinVar variation 1985452 (VCV001985452.6), dbSNP rs752167348, ClinGen allele CA4337442.